The following is an entry in ClinVar:

NM_006421.5(ARFGEF1):c.2258G>A (p.Gly753Glu)

Gene: ARFGEF1 (ARF guanine nucleotide exchange factor 1; minus strand). Cytogenetic location: 8q13.2.
Variant type: single nucleotide variant.
Coding change: c.2258G>A on transcript NM_006421.5 (MANE Select); coding-DNA position 2258, G replaced by A.
Protein change: p.Gly753Glu; replaces glycine 753 with glutamic acid.
Molecular consequence: missense variant. On other transcripts: non-coding transcript variant (1).
Genome position (GRCh38, 1-based): chr8:67,258,268, C>T on the plus strand (G>A on the coding strand, the complement: ARFGEF1 is on the minus strand). VCF-style: chr8-67258268-C-T. GRCh37 (hg19) VCF-style: chr8-68170503-C-T.
Other names: c.2258G>A, p.Gly753Glu (NM_001413184.1, NM_001413185.1, NM_001413186.1 and 7 more transcripts); c.1658G>A, p.Gly553Glu (NM_001413188.1, NM_001413193.1, NM_001413197.1); c.833G>A, p.Gly278Glu (NM_001413196.1); short protein forms G278E, G553E, G753E.
Identifiers: ClinVar variation 4529577 (VCV004529577.1).

ClinVar aggregate classification (germline): Uncertain significance (1 of 4 stars; one submission).

Submission:

GeneDx
Classification: Uncertain significance. Last evaluated: 2025-05-14. Review status: criteria provided, single submitter. Criteria: GeneDx Variant Classification Process June 2021. Collection method: clinical testing. Allele origin: germline. Affected: yes.
Comment: Not observed at significant frequency in large population cohorts (gnomAD); In silico analysis supports that this missense variant has a deleterious effect on protein structure/function; Has not been previously published as pathogenic or benign to our knowledge